The following is an entry in ClinVar:

NM_001128840.3(CACNA1D):c.623G>A (p.Gly208Glu)

Gene: CACNA1D (calcium voltage-gated channel subunit alpha1 D; plus strand). Cytogenetic location: 3p21.1.
Variant type: single nucleotide variant.
Coding change: c.623G>A on transcript NM_001128840.3 (MANE Select); coding-DNA position 623, G replaced by A.
Protein change: p.Gly208Glu; replaces glycine 208 with glutamic acid.
Molecular consequence: missense variant.
Genome position (GRCh38, 1-based): chr3:53,650,918, G>A. VCF-style: chr3-53650918-G-A. GRCh37 (hg19) VCF-style: chr3-53684945-G-A.
Other names: c.623G>A, p.Gly208Glu (NM_000720.4, NM_001128839.3); short protein forms G208E.
Identifiers: ClinVar variation 3392837 (VCV003392837.1).

ClinVar aggregate classification (germline): Uncertain significance (1 of 4 stars; one submission).

Submission:

GeneDx
Classification: Uncertain significance. Last evaluated: 2024-06-25. Review status: criteria provided, single submitter. Criteria: GeneDx Variant Classification Process June 2021. Collection method: clinical testing. Allele origin: germline. Affected: yes.
Comment: Not observed at significant frequency in large population cohorts (gnomAD); In silico analysis supports that this missense variant has a deleterious effect on protein structure/function; Has not been previously published as pathogenic or benign to our knowledge; In silico analysis is inconclusive as to whether the variant alters gene splicing. In the absence of RNA/functional studies, the actual effect of this sequence change is unknown.